The following is an entry in ClinVar:

ClinVar aggregate classification (germline): Uncertain significance. Review status: criteria provided, multiple submitters, no conflicts (2 of 4 stars). 2 submissions from 2 submitters: Uncertain significance (2). Last evaluated 2025-12-09.

Conditions:
Inborn genetic diseases. Identifiers: MedGen C0950123, MeSH D030342.
Joubert syndrome 23 (JBTS23). Identifiers: Orphanet 475, MedGen C4084822, MONDO:0014664, OMIM 616490.
Short-rib thoracic dysplasia 14 with polydactyly (SRTD14). Identifiers: Orphanet 397715, MedGen C4225286, MONDO:0014688, OMIM 616546.

Submissions (2):

Ambry Genetics
Classification: Uncertain significance for Inborn genetic diseases. Last evaluated: 2025-12-09. Review status: criteria provided, single submitter. Criteria: Ambry Variant Classification Scheme 2023. Collection method: clinical testing. Allele origin: germline.

Labcorp Genetics (formerly Invitae), Labcorp
Classification: Uncertain significance for Joubert syndrome 23; Short-rib thoracic dysplasia 14 with polydactyly. Last evaluated: 2022-03-10. Review status: criteria provided, single submitter. Criteria: Invitae Variant Classification Sherloc (09022015). Collection method: clinical testing. Allele origin: germline.
Comment: Algorithms developed to predict the effect of missense changes on protein structure and function output the following: SIFT: "Tolerated"; PolyPhen-2: "Benign"; Align-GVGD: "Class C0". The valine amino acid residue is found in multiple mammalian species, which suggests that this missense change does not adversely affect protein function. In summary, the available evidence is currently insufficient to determine the role of this variant in disease. Therefore, it has been classified as a Variant of Uncertain Significance. This variant has not been reported in the literature in individuals affected with KIAA0586-related conditions. This variant is not present in population databases (gnomAD no frequency). This sequence change replaces methionine, which is neutral and non-polar, with valine, which is neutral and non-polar, at codon 194 of the KIAA0586 protein (p.Met194Val).

NM_001329943.3(KIAA0586):c.421A>G (p.Met141Val)

Gene: KIAA0586 (KIAA0586; plus strand). Cytogenetic location: 14q23.1.
Variant type: single nucleotide variant.
Coding change: c.421A>G on transcript NM_001329943.3 (MANE Select); coding-DNA position 421, A replaced by G.
Protein change: p.Met141Val; replaces methionine 141 with valine.
Molecular consequence: missense variant. On other transcripts: initiator codon variant (1).
Genome position (GRCh38, 1-based): chr14:58,442,716, A>G. VCF-style: chr14-58442716-A-G. GRCh37 (hg19) VCF-style: chr14-58909434-A-G.
Other names: c.580A>G, p.Met194Val (NM_001244189.2); c.376A>G, p.Met126Val (NM_001244190.2); c.166A>G, p.Met56Val (NM_001244191.2, NM_001329945.2, NM_001364700.1 and 1 more transcripts); c.289A>G, p.Met97Val (NM_001244192.2); c.1A>G, p.Met1Val (NM_001244193.2); c.421A>G, p.Met141Val (NM_001329944.2, NM_001329946.2, NM_001329947.2 and 1 more transcripts); c.421A>G (NM_014749.3); short protein forms M126V, M97V, M56V, M141V, M194V, M1V.
Identifiers: ClinVar variation 1377556 (VCV001377556.7), dbSNP rs1164983892, ClinGen allele CA389861540.